The following is an entry in ClinVar:

ClinVar aggregate classification (germline): Uncertain significance. Review status: criteria provided, multiple submitters, no conflicts (2 of 4 stars). 2 submissions from 2 submitters: Uncertain significance (2). Last evaluated 2025-08-20.

Conditions:
Arrhythmogenic right ventricular dysplasia 9 (ARVD9). Also called: ARRHYTHMOGENIC RIGHT VENTRICULAR DYSPLASIA, FAMILIAL, 9; Arrhythmogenic Right Ventricular Dysplasia/Cardiomyopathy 9. Identifiers: MedGen C1836906, MONDO:0012180, OMIM 609040.
Arrhythmogenic right ventricular cardiomyopathy (ARVD). Also called: Arrhythmogenic right ventricular dysplasia; Cardiomyopathy, ARVC; Arrhythmogenic cardiomyopathy; Arrhythmogenic Right Ventricular Cardiomyopathy (ARVC). Identifiers: Orphanet 247, MedGen C0349788, MeSH D019571, MONDO:0016587. Disease mechanism: loss of function. Inheritance: Various modes of inheritance.

Submissions (2):

Labcorp Genetics (formerly Invitae), Labcorp
Classification: Uncertain significance for Arrhythmogenic right ventricular dysplasia 9. Last evaluated: 2025-08-20. Review status: criteria provided, single submitter. Criteria: Invitae Variant Classification Sherloc (09022015). Collection method: clinical testing. Allele origin: germline.
Comment: This sequence change replaces tyrosine, which is neutral and polar, with serine, which is neutral and polar, at codon 217 of the PKP2 protein (p.Tyr217Ser). This variant is not present in population databases (gnomAD no frequency). This variant has not been reported in the literature in individuals affected with PKP2-related conditions. ClinVar contains an entry for this variant (Variation ID: 3387496). An algorithm developed to predict the effect of missense changes on protein structure and function (PolyPhen-2) suggests that this variant is likely to be tolerated. In summary, the available evidence is currently insufficient to determine the role of this variant in disease. Therefore, it has been classified as a Variant of Uncertain Significance.

All of Us Research Program, National Institutes of Health
Classification: Uncertain significance for Arrhythmogenic right ventricular cardiomyopathy. Last evaluated: 2024-08-23. Review status: criteria provided, single submitter. Criteria: ACMG Guidelines, 2015. Collection method: clinical testing. Allele origin: germline. Inheritance: Autosomal dominant inheritance. Observed: 1 variant allele, 1 heterozygote.
Comment: This missense variant replaces tyrosine with serine at codon 217 of the PKP2 protein. Computational prediction is inconclusive regarding the impact of this variant on protein structure and function. To our knowledge, functional studies have not been reported for this variant. This variant has not been reported in individuals affected with PKP2-related disorders in the literature. This variant has not been identified in the general population by the Genome Aggregation Database (gnomAD). The available evidence is insufficient to determine the role of this variant in disease conclusively. Therefore, this variant is classified as a Variant of Uncertain Significance.

This study involves interpretation of variants in research participants for the purpose of population health screening. Participant phenotype was not available at the time of variant classification. Additional details can be found in publication PMID: 35346344, PMCID: PMC8962531

NM_001005242.3(PKP2):c.650A>C (p.Tyr217Ser)

Gene: PKP2 (plakophilin 2; minus strand). Cytogenetic location: 12p11.21.
Variant type: single nucleotide variant.
Coding change: c.650A>C on transcript NM_001005242.3 (MANE Select); coding-DNA position 650, A replaced by C.
Protein change: p.Tyr217Ser; replaces tyrosine 217 with serine.
Molecular consequence: missense variant.
Genome position (GRCh38, 1-based): chr12:32,878,230, T>G on the plus strand (A>C on the coding strand, the complement: PKP2 is on the minus strand). VCF-style: chr12-32878230-T-G. GRCh37 (hg19) VCF-style: chr12-33031164-T-G.
Other names: c.650A>C, p.Tyr217Ser (NM_001407155.1, NM_001407156.1, NM_001407157.1 and 2 more transcripts); c.323A>C, p.Tyr108Ser (NM_001407158.1, NM_001407159.1, NM_001407160.1 and 1 more transcripts); short protein forms Y108S, Y217S.
Identifiers: ClinVar variation 3387496 (VCV003387496.2).